The following is an entry in ClinVar:

ClinVar aggregate classification (germline): Pathogenic (1 of 4 stars; one submission).

Conditions:
Autosomal recessive limb-girdle muscular dystrophy type 2O. Also called: Limb-Girdle Muscular Dystrophy Type 3C; MUSCULAR DYSTROPHY-DYSTROGLYCANOPATHY (LIMB-GIRDLE), TYPE C, 3; MUSCULAR DYSTROPHY-DYSTROGLYCANOPATHY, LIMB-GIRDLE, POMGNT1-RELATED. Identifiers: Orphanet 206564, MedGen C3150417, MONDO:0013161, OMIM 613157.
Muscular dystrophy-dystroglycanopathy (congenital with impaired intellectual development), type B, 3. Also called: MUSCULAR DYSTROPHY, CONGENITAL, POMGNT1-RELATED; Muscular dystrophy-dystroglycanopathy (congenital with intellectual disability), type B3. Identifiers: MedGen C3150412, MONDO:0013155, OMIM 613151.

Submission:

Labcorp Genetics (formerly Invitae), Labcorp
Classification: Pathogenic for Autosomal recessive limb-girdle muscular dystrophy type 2O; Muscular dystrophy-dystroglycanopathy (congenital with impaired intellectual development), type B, 3. Last evaluated: 2023-02-08. Review status: criteria provided, single submitter. Criteria: Invitae Variant Classification Sherloc (09022015). Collection method: clinical testing. Allele origin: germline.
Comment: Algorithms developed to predict the effect of sequence changes on RNA splicing suggest that this variant may create or strengthen a splice site. This sequence change creates a premature translational stop signal (p.Asn560Thrfs*74) in the POMGNT1 gene. While this is not anticipated to result in nonsense mediated decay, it is expected to disrupt the last 101 amino acid(s) of the POMGNT1 protein. This variant is not present in population databases (gnomAD no frequency). This variant has not been reported in the literature in individuals affected with POMGNT1-related conditions. This variant disrupts a region of the POMGNT1 protein in which other variant(s) (p.Leu622Trpfs*12) have been determined to be pathogenic (PMID: 22554691). This suggests that this is a clinically significant region of the protein, and that variants that disrupt it are likely to be disease-causing. For these reasons, this variant has been classified as Pathogenic.

Literature cited by the submitters: PubMed 22554691.

NM_017739.4(POMGNT1):c.1677del (p.Asn560fs)

Genes: POMGNT1 (protein O-linked mannose N-acetylglucosaminyltransferase 1 (beta 1,2-); minus strand), TSPAN1 (tetraspanin 1; plus strand). Cytogenetic location: 1p34.1.
Variant type: Deletion.
Coding change: c.1677del on transcript NM_017739.4 (MANE Select); coding-DNA position 1677, one base deleted (G; older notation c.1677delG).
Protein change: p.Asn560fs; shifts the reading frame from asparagine 560.
Molecular consequence: frameshift variant.
Genome position (GRCh38, 1-based): chr1:46,189,962, C deleted on the plus strand (G on the coding strand, the reverse complement: POMGNT1 is on the minus strand). VCF-style (leftmost placement, unchanged base first): chr1-46189961-TC-T. GRCh37 (hg19) VCF-style: chr1-46655633-TC-T.
Other names: c.1677del, p.Asn560fs (NM_001243766.2, NM_001410783.1); c.1611delG, p.Asn538Thrfs (NM_001290129.3); c.1248del, p.Asn417fs (NM_001290130.2); short protein forms N538fs, N560fs, N417fs.
Identifiers: ClinVar variation 2943999 (VCV002943999.3), dbSNP rs2525345308, ClinGen allele CA2740090692.